The following is an entry in ClinVar:

ClinVar aggregate classification (germline): Pathogenic. Review status: criteria provided, multiple submitters, no conflicts (2 of 4 stars). 4 submissions from 4 submitters: Pathogenic (3). 1 of the submissions does not count toward it. Last evaluated 2024-11-06.

Conditions:
Ellis-van Creveld syndrome (EVC). Also called: EVC-Related Ellis-van Creveld Syndrome; EVC2-Related Ellis-van Creveld Syndrome; MESOECTODERMAL DYSPLASIA; Chondroectodermal dysplasia. Identifiers: Orphanet 289, MedGen C0013903, MONDO:0009162, OMIM 225500.
Curry-Hall syndrome (WAD). Also called: WEYERS ACRODENTAL DYSOSTOSIS. Identifiers: Orphanet 952, MedGen C0457013, MONDO:0008673, OMIM 193530.

Allele frequency attached by ClinVar (database versions not stated): gnomAD exomes below 0.00001.

Submissions (4):

Natera, Inc.
Classification: Pathogenic for Ellis-van Creveld syndrome. Last evaluated: 2024-11-06. Review status: criteria provided, single submitter. Criteria: Natera Variant Classification Schema (03/2026). Collection method: clinical testing. Allele origin: germline.
Comment: The c.922_923delGA variant in EVC is a frameshift variant predicted to shift the reading frame beginning at codon 308 and leads to a stop codon 5 codons downstream. This variant is expected to result in nonsense mediated decay, truncation, or a dysfunctional protein product. This variant is rare in the general population with a frequency below the threshold expected for the associated phenotype(s). This variant has been observed in one or more individuals affected with the associated recessive disease, as either homozygous or compound heterozygous with a second variant (PMID: 34645488). Given the available evidence, this variant is classified as Pathogenic.

Labcorp Genetics (formerly Invitae), Labcorp
Classification: Pathogenic for Curry-Hall syndrome; Ellis-van Creveld syndrome. Last evaluated: 2024-01-08. Review status: criteria provided, single submitter. Criteria: Invitae Variant Classification Sherloc (09022015). Collection method: clinical testing. Allele origin: germline.
Comment: This sequence change creates a premature translational stop signal (p.Glu308Thrfs*5) in the EVC gene. It is expected to result in an absent or disrupted protein product. Loss-of-function variants in EVC are known to be pathogenic (PMID: 23220543). This variant is not present in population databases (gnomAD no frequency). This premature translational stop signal has been observed in individual(s) with Ellis-van Creveld syndrome (PMID: 32055034). ClinVar contains an entry for this variant (Variation ID: 917937). For these reasons, this variant has been classified as Pathogenic.

Women's Health and Genetics/Laboratory Corporation of America, LabCorp
Classification: Pathogenic for Ellis-van Creveld syndrome. Last evaluated: 2023-08-16. Review status: criteria provided, single submitter. Criteria: LabCorp Variant Classification Summary - May 2015. Collection method: clinical testing. Allele origin: germline.
Comment: Variant summary: EVC c.922_923delGA (p.Glu308ThrfsX5) results in a premature termination codon, predicted to cause a truncation of the encoded protein or absence of the protein due to nonsense mediated decay, which are commonly known mechanisms for disease. The variant was absent in 251474 control chromosomes. c.922_923delGA has been reported in the literature in the homozygous state in at least one individual affected with Ellis-van Creveld syndrome (e.g. Shamseldin_2020, Shamseldin_2021). To our knowledge, no experimental evidence demonstrating an impact on protein function has been reported. The following publications have been ascertained in the context of this evaluation (PMID: 32055034, 34645488). One submitter has cited clinical-significance assessments for this variant to ClinVar after 2014 and has classified the variant as pathogenic. Based on the evidence outlined above, the variant was classified as pathogenic.

Genomic Medicine Center of Excellence, King Faisal Specialist Hospital and Research Centre
Classification: Pathogenic for Ellis-van Creveld syndrome. Review status: no assertion criteria provided. Collection method: research. Allele origin: germline. Affected: yes. Not counted in ClinVar's aggregate classification.

Literature cited by the submitters: PubMed 34645488 (cited by Natera, Inc. and Women's Health and Genetics/Laboratory Corporation of America, LabCorp); PubMed 23220543 (cited by Labcorp Genetics (formerly Invitae), Labcorp); PubMed 32055034 (cited by Labcorp Genetics (formerly Invitae), Labcorp and Women's Health and Genetics/Laboratory Corporation of America, LabCorp).

NM_153717.3(EVC):c.922_923del (p.Glu308fs)

Gene: EVC (EvC ciliary complex subunit 1; plus strand). Cytogenetic location: 4p16.2.
Variant type: Deletion.
Coding change: c.922_923del on transcript NM_153717.3 (MANE Select); coding-DNA positions 922 to 923, 2 bases deleted (GA; older notation c.922_923delGA).
Protein change: p.Glu308fs; shifts the reading frame from glutamic acid 308.
Molecular consequence: frameshift variant.
Genome position (GRCh38, 1-based): chr4:5,745,324-5,745,325, GA deleted. VCF-style (leftmost placement, unchanged base first): chr4-5745323-TGA-T. GRCh37 (hg19) VCF-style: chr4-5747050-TGA-T.
Other names: c.922_923del, p.Glu308fs (NM_001306090.2, NM_001306092.2); c.922_923delGA (NM_153717.2); short protein forms E308fs.
Identifiers: ClinVar variation 917937 (VCV000917937.12), dbSNP rs1729200967, ClinGen allele CA1139658431.